The following is an entry in ClinVar:

Conditions:
Breast-ovarian cancer, familial, susceptibility to, 1 (BROVCA1). Also called: BRCA1 Hereditary Breast and Ovarian Cancer; OVARIAN CANCER, SUSCEPTIBILITY TO. Identifiers: Orphanet 145, MedGen C2676676, MONDO:0011450, OMIM 604370. Disease mechanism: loss of function.

Submission:

Brotman Baty Institute, University of Washington
No classification provided (evidence only). Condition: Breast-ovarian cancer, familial 1. Review status: no classification provided. Collection method: in vitro. Allele origin: not applicable. Functional consequence: functionally_normal.
ClinVar note: "not provided" was previously submitted as the classification for the variant. However, the classification appeared to be based only on an observation of functional data so it was converted to no classification on 2025-07-30.

NM_007294.4(BRCA1):c.5413C>A (p.His1805Asn)

Gene: BRCA1 (BRCA1 DNA repair associated; minus strand). Cytogenetic location: 17q21.31.
Variant type: single nucleotide variant.
Coding change: c.5413C>A on transcript NM_007294.4 (MANE Select); coding-DNA position 5413, C replaced by A.
Protein change: p.His1805Asn; replaces histidine 1805 with asparagine.
Molecular consequence: missense variant. On other transcripts: non-coding transcript variant (1).
Genome position (GRCh38, 1-based): chr17:43,047,697, G>T on the plus strand (C>A on the coding strand, the complement: BRCA1 is on the minus strand). VCF-style: chr17-43047697-G-T. GRCh37 (hg19) VCF-style: chr17-41199714-G-T.
Other names: c.5200C>A, p.His1734Asn (NM_001407571.1, NM_001407907.1, NM_001407908.1 and 12 more transcripts); c.5479C>A, p.His1827Asn (NM_001407581.1, NM_001407582.1); c.5476C>A, p.His1826Asn (NM_001407583.1, NM_001407585.1, NM_001407587.1 and 1 more transcripts); c.5473C>A, p.His1825Asn (NM_001407590.1, NM_001407591.1); c.5413C>A, p.His1805Asn (NM_001407593.1, NM_001407594.1, NM_001407596.1 and 5 more transcripts); c.5410C>A, p.His1804Asn (NM_001407614.1, NM_001407615.1, NM_001407616.1 and 14 more transcripts); c.5407C>A, p.His1803Asn (NM_001407633.1, NM_001407634.1, NM_001407635.1 and 13 more transcripts); c.5335C>A, p.His1779Asn (NM_001407655.1, NM_001407652.1, NM_001407653.1 and 1 more transcripts); and 83 more; short protein forms H1805N, H1826N, H1758N, H701N, P676Q, H1509N, H1715N, H1737N.
Identifiers: ClinVar variation 867376 (VCV000867376.3), dbSNP rs587782873, ClinGen allele CA10590637.
Genomic context (GRCh38, chr17:43,047,697, plus strand): 5'-CCTTACCATGGAAGCCATTGTCCTCTGTCCAGGCATCTGGCTGCACAACCACAATTGGGT[G>T]GACACCCTGGATCCCCAGGAAGGAAAGAGCATTCAAAGTGTCAAAGTAGGACTACTGGAA-3'
Protein context (NP_009225.1, residues 1795-1815): LSSFTLGTGV[His1805Asn]PIVVVQPDAW